The following is an entry in ClinVar:

ClinVar aggregate classification (germline): Uncertain significance (1 of 4 stars; one submission).

gnomAD v4.1: 1 of 1,606,896 alleles (0.000062%); highest among the groups gnomAD compares: Admixed American, 0.0017%; no homozygotes.

Submission:

GeneDx
Classification: Uncertain significance. Last evaluated: 2026-03-18. Review status: criteria provided, single submitter. Criteria: GeneDx Variant Classification Process June 2021. Collection method: clinical testing. Allele origin: germline.
Comment: Not observed at significant frequency in large population cohorts (gnomAD); In silico analysis suggests that this missense variant does not alter protein structure/function; Has not been previously published as pathogenic or benign to our knowledge

NM_031475.3(ESPN):c.1271C>G (p.Thr424Arg)

Gene: ESPN (espin; plus strand). Cytogenetic location: 1p36.31.
Variant type: single nucleotide variant.
Coding change: c.1271C>G on transcript NM_031475.3 (MANE Select); coding-DNA position 1271, C replaced by G.
Protein change: p.Thr424Arg; replaces threonine 424 with arginine.
Molecular consequence: missense variant.
Genome position (GRCh38, 1-based): chr1:6,445,742, C>G. VCF-style: chr1-6445742-C-G. GRCh37 (hg19) VCF-style: chr1-6505802-C-G.
Other names: c.1271C>G, p.Thr424Arg (NM_001367473.1, NM_001367474.1); short protein forms T424R.
Identifiers: ClinVar variation 5009116 (VCV005009116.1).